The following is an entry in ClinVar:

ClinVar aggregate classification (germline): Pathogenic (0 of 4 stars; one submission).

Conditions:
Malignant tumor of breast. Also called: Malignant breast neoplasm; Cancer breast. Identifiers: MedGen C0006142, MONDO:0007254. Disease mechanism: loss of function.

Submission:

Department of Pathology and Laboratory Medicine, Sinai Health System
Classification: Pathogenic for Malignant tumor of breast. Review status: no assertion criteria provided. Collection method: clinical testing. Allele origin: unknown. Affected: yes. Study: The Canadian Open Genetics Repository (COGR).
Comment: The BRCA1 c.4485-10_4491del variant was not identified in the literature nor was it identified in the dbSNP, ClinVar, LOVD 3.0, or UMD-LSDB databases. The variant was not identified in the following control databases: the Exome Aggregation Consortium (August 8th 2016), or the Genome Aggregation Database (Feb 27, 2017). The c.4485-10_4491del variant is located in the 3â€šÃ„Ã´ splice region and affects -1 to -10 positions which are part of the splicing consensus sequence and variants involving these positions affect splicing. In addition, 4 of 4 in silico or computational prediction software programs (SpliceSiteFinder, MaxEntScan, NNSPLICE, GeneSplicer) predict a greater than 10% difference in splicing and show complete loss or deletion of the consensus splice acceptor site. The c.4485-10_4491del variant is predicted to cause a frameshift but could not be verified. In summary, based on the above information this variant meets our laboratoryâ€šÃ„Ã´s criteria to be classified as pathogenic.

NM_007294.4(BRCA1):c.4485-10_4491del

Gene: BRCA1 (BRCA1 DNA repair associated; minus strand). Cytogenetic location: 17q21.31.
Variant type: Deletion.
Coding change: c.4485-10_4491del on transcript NM_007294.4 (MANE Select); 10 bases into the intron before coding-DNA position 4485 through coding-DNA position 4491, 17 bases deleted (ATCTTTCTAGGTCATCC).
Molecular consequence: splice acceptor variant. On other transcripts: intron variant (3).
Genome position (GRCh38, 1-based): chr17:43,074,515-43,074,531, GGATGACCTAGAAAGAT deleted on the plus strand (ATCTTTCTAGGTCATCC on the coding strand, the reverse complement: BRCA1 is on the minus strand). VCF-style (leftmost placement, unchanged base first): chr17-43074514-GGGATGACCTAGAAAGAT-G. GRCh37 (hg19) VCF-style: chr17-41226531-GGGATGACCTAGAAAGAT-G.
Other names: c.1032-10_1038del (NM_001408463.1, NM_001408462.1, NM_001408465.1 and 7 more transcripts); c.4356-10_4362del (NM_001407941.1, NM_001407683.1, NM_001407689.1 and 6 more transcripts); c.4269-10_4275del (NM_001407915.1, NM_001407916.1, NM_001407917.1 and 1 more transcripts); c.4338-10_4344del (NM_001407847.1, NM_001407853.1, NM_001407841.1 and 12 more transcripts); c.4359-10_4365del (NM_001407673.1, NM_001407674.1, NM_001407939.1 and 11 more transcripts); c.4341-10_4347del (NM_001407740.1, NM_001407739.1, NM_001407741.1 and 21 more transcripts); c.4272-10_4278del (NM_001407895.1, NM_001407910.1, NM_001407904.1 and 12 more transcripts); c.1170-10_1176del (NM_001408400.1, NM_001408392.1, NM_001408402.1 and 8 more transcripts); and 71 more.
Identifiers: ClinVar variation 1048961 (VCV001048961.2), dbSNP rs2154024242, ClinGen allele CA2499224410.
Genomic context (GRCh38, chr17:43,074,514, plus strand): 5'-GAAGACTCCCAGAGCAACTGTGCATGTACCACCTATCATCTAATGATGGGCATTTAGAAG[GGGATGACCTAGAAAGAT>G]AAATGGAAGGAGAAAACCATCGCCACCAATTGTGAAAGGACAAATCATACTTGCTGGGCA-3'